The following is an entry in ClinVar:

ClinVar aggregate classification (germline): Uncertain significance (1 of 4 stars; one submission).

Conditions:
Inborn genetic diseases. Identifiers: MedGen C0950123, MeSH D030342.

Submission:

Ambry Genetics
Classification: Uncertain significance for Inborn genetic diseases. Last evaluated: 2025-04-03. Review status: criteria provided, single submitter. Criteria: Ambry Variant Classification Scheme 2023. Collection method: clinical testing. Allele origin: germline.
Comment: The p.M1223V variant (also known as c.3667A>G), located in coding exon 17 of the MECOM gene, results from an A to G substitution at nucleotide position 3667. The methionine at codon 1223 is replaced by valine, an amino acid with highly similar properties. This amino acid position is conserved. In addition, this alteration is predicted to be tolerated by in silico analysis. Based on the available evidence, the clinical significance of this variant remains unclear.

NM_004991.4(MECOM):c.3667A>G (p.Met1223Val)

Gene: MECOM (MDS1 and EVI1 complex locus; minus strand). Cytogenetic location: 3q26.2.
Variant type: single nucleotide variant.
Coding change: c.3667A>G on transcript NM_004991.4 (MANE Select); coding-DNA position 3667, A replaced by G.
Protein change: p.Met1223Val; replaces methionine 1223 with valine.
Molecular consequence: missense variant.
Genome position (GRCh38, 1-based): chr3:169,084,962, T>C on the plus strand (A>G on the coding strand, the complement: MECOM is on the minus strand). VCF-style: chr3-169084962-T-C. GRCh37 (hg19) VCF-style: chr3-168802750-T-C.
Other names: c.3298A>G, p.Met1100Val (NM_001105077.4); c.3103A>G, p.Met1035Val (NM_001105078.4, NM_001205194.2, NM_001366469.2 and 1 more transcripts); c.3079A>G, p.Met1027Val (NM_001163999.2, NM_001366470.2); c.3076A>G, p.Met1026Val (NM_001164000.2, NM_001366471.2, NM_001366472.2); c.3640A>G, p.Met1214Val (NM_001366466.2); c.3106A>G, p.Met1036Val (NM_001366467.2, NM_001366468.2); c.2668A>G, p.Met890Val (NM_001366473.2); c.2104A>G, p.Met702Val (NM_001366474.2); short protein forms M1036V, M1100V, M890V, M702V, M1026V, M1027V, M1035V, M1214V.
Identifiers: ClinVar variation 4053137 (VCV004053137.1).